The following is an entry in ClinVar:

NM_015205.3(ATP11A):c.2956G>A (p.Val986Met)

Gene: ATP11A (ATPase phospholipid transporting 11A; plus strand). Cytogenetic location: 13q34.
Variant type: single nucleotide variant.
Coding change: c.2956G>A on transcript NM_015205.3 (MANE Select); coding-DNA position 2956, G replaced by A.
Protein change: p.Val986Met; replaces valine 986 with methionine.
Molecular consequence: missense variant.
Genome position (GRCh38, 1-based): chr13:112,862,540, G>A. VCF-style: chr13-112862540-G-A. GRCh37 (hg19) VCF-style: chr13-113516854-G-A.
Other names: c.2956G>A, p.Val986Met (NM_001405661.1, NM_001405662.1, NM_001405663.1 and 1 more transcripts); short protein forms V986M.
Identifiers: ClinVar variation 2588184 (VCV002588184.3), dbSNP rs543346107, ClinGen allele CA7057375.

ClinVar aggregate classification (germline): Conflicting classifications of pathogenicity. Review status: criteria provided, conflicting classifications (1 of 4 stars). 2 submissions from 2 submitters: Uncertain significance (1); Likely benign (1). Last evaluated 2025-06-25.

Conditions:
ATP11A-related disorder. Also called: ATP11A-related condition.
Inborn genetic diseases. Identifiers: MedGen C0950123, MeSH D030342.

gnomAD v4.1: 74 of 1,614,052 alleles (0.0046%); highest among the groups gnomAD compares: South Asian, 0.038%; no homozygotes.

Submissions (2):

PreventionGenetics, part of Exact Sciences
Classification: Uncertain significance for ATP11A-related condition. Last evaluated: 2025-06-25. Review status: criteria provided, single submitter. Criteria: ACMG Guidelines, 2015. Collection method: clinical testing. Allele origin: germline.
Comment: The ATP11A c.2956G>A variant is predicted to result in the amino acid substitution p.Val986Met. To our knowledge, this variant has not been reported in the literature. This variant is reported in 0.033% of alleles in individuals of South Asian descent in gnomAD. Although we suspect that this variant may be benign, at this time, the clinical significance of this variant is uncertain due to the absence of conclusive functional and genetic evidence.

Ambry Genetics
Classification: Likely benign for Inborn genetic diseases. Last evaluated: 2023-07-12. Review status: criteria provided, single submitter. Criteria: Ambry Variant Classification Scheme 2023. Collection method: clinical testing. Allele origin: germline.